The following is an entry in ClinVar:

ClinVar aggregate classification (germline): Conflicting classifications of pathogenicity. Review status: criteria provided, conflicting classifications (1 of 4 stars). 6 submissions from 6 submitters: Uncertain significance (1); Likely benign (4). 1 of the submissions does not count toward it. Last evaluated 2025-12-21.

Conditions:
RASopathy. Also called: Noonan spectrum disorder; rasopathies. Identifiers: Orphanet 536391, MedGen C5555857, MONDO:0021060.
CBL-related disorder. Also called: NOONAN SYNDROME-LIKE DISORDER WITHOUT JUVENILE MYELOMONOCYTIC LEUKEMIA; CBL MUTATION-ASSOCIATED SYNDROME; CBL SYNDROME. Identifiers: Orphanet 363972, MedGen C3150803, MONDO:0013308, OMIM 613563.
Cardiovascular phenotype. Identifiers: MedGen CN230736.

Allele frequency attached by ClinVar (database versions not stated): gnomAD exomes below 0.00001; TOPMed 0.00001.
gnomAD v4.1: 14 of 1,602,032 alleles (0.00087%); highest among the groups gnomAD compares: East Asian, 0.0045%; no homozygotes.

Submissions (6):

Labcorp Genetics (formerly Invitae), Labcorp
Classification: Likely benign for RASopathy. Last evaluated: 2025-12-21. Review status: criteria provided, single submitter. Criteria: Invitae Variant Classification Sherloc (09022015). Collection method: clinical testing. Allele origin: germline.

Blueprint Genetics
Classification: Likely benign. Last evaluated: 2024-06-06. Review status: criteria provided, single submitter. Criteria: ACMG Guidelines, 2015. Collection method: clinical testing. Allele origin: germline.

Ambry Genetics
Classification: Likely benign for Cardiovascular phenotype. Last evaluated: 2021-07-22. Review status: criteria provided, single submitter. Criteria: Ambry Variant Classification Scheme 2023. Collection method: clinical testing. Allele origin: germline.

Women's Health and Genetics/Laboratory Corporation of America, LabCorp
Classification: Likely benign. Last evaluated: 2021-04-03. Review status: criteria provided, single submitter. Criteria: LabCorp Variant Classification Summary - May 2015. Collection method: clinical testing. Allele origin: germline.

Illumina Laboratory Services, Illumina
Classification: Uncertain significance for CBL-related disorder. Last evaluated: 2018-01-13. Review status: criteria provided, single submitter. Criteria: ICSL Variant Classification Criteria 13 December 2019. Collection method: clinical testing. Allele origin: germline.

PreventionGenetics, part of Exact Sciences
Classification: Likely benign for CBL-related condition. Last evaluated: 2019-08-01. Review status: no assertion criteria provided. Collection method: clinical testing. Allele origin: germline. Not counted in ClinVar's aggregate classification.
Comment: This variant is classified as likely benign based on ACMG/AMP sequence variant interpretation guidelines (Richards et al. 2015 PMID: 25741868, with internal and published modifications).

NM_005188.4(CBL):c.2052A>C (p.Pro684=)

Gene: CBL (Cbl proto-oncogene; plus strand). Cytogenetic location: 11q23.3.
Variant type: single nucleotide variant.
Coding change: c.2052A>C on transcript NM_005188.4 (MANE Select); coding-DNA position 2052, A replaced by C.
Protein change: p.Pro684=; no amino-acid change (proline 684 retained).
Molecular consequence: synonymous variant.
Genome position (GRCh38, 1-based): chr11:119,296,933, A>C. VCF-style: chr11-119296933-A-C. GRCh37 (hg19) VCF-style: chr11-119167643-A-C.
Identifiers: ClinVar variation 302785 (VCV000302785.19), dbSNP rs886047771, ClinGen allele CA10637835.